The following is an entry in ClinVar:

NM_020338.4(ZMIZ1):c.1380G>A (p.Pro460=)

Gene: ZMIZ1 (zinc finger MIZ-type containing 1; plus strand). Cytogenetic location: 10q22.3.
Variant type: single nucleotide variant.
Coding change: c.1380G>A on transcript NM_020338.4 (MANE Select); coding-DNA position 1380, G replaced by A.
Protein change: p.Pro460=; no amino-acid change (proline 460 retained).
Molecular consequence: synonymous variant.
Genome position (GRCh38, 1-based): chr10:79,296,620, G>A. VCF-style: chr10-79296620-G-A. GRCh37 (hg19) VCF-style: chr10-81056377-G-A.
Identifiers: ClinVar variation 3257592 (VCV003257592.18).

ClinVar aggregate classification (germline): Likely benign. Review status: criteria provided, multiple submitters, no conflicts (2 of 4 stars). 2 submissions from 2 submitters: Likely benign (2). Last evaluated 2025-10-28.

gnomAD v4.1: 60 of 1,581,416 alleles (0.0038%); highest among the groups gnomAD compares: South Asian, 0.0057%; no homozygotes.

Submissions (2):

Labcorp Genetics (formerly Invitae), Labcorp
Classification: Likely benign. Last evaluated: 2025-10-28. Review status: criteria provided, single submitter. Criteria: Invitae Variant Classification Sherloc (09022015). Collection method: clinical testing. Allele origin: germline.

CeGaT Center for Human Genetics Tuebingen
Classification: Likely benign. Last evaluated: 2024-07-01. Review status: criteria provided, single submitter. Criteria: CeGaT Center For Human Genetics Tuebingen Variant Classification Criteria Version 2. Collection method: clinical testing. Allele origin: germline. Affected: yes. Observed: 1 variant allele.
Comment: ZMIZ1: BP4, BP7